The following is an entry in ClinVar:

NM_194279.4(ISCA2):c.174+6_174+8del

Gene: ISCA2 (iron-sulfur cluster assembly 2; plus strand). Cytogenetic location: 14q24.3.
Variant type: Microsatellite.
Coding change: c.174+6_174+8del on transcript NM_194279.4 (MANE Select); bases 6 to 8 of the intron after coding-DNA position 174, 3 bases deleted (AGG; older notation c.174+6_174+8delAGG).
Molecular consequence: intron variant.
Genome position (GRCh38, 1-based): chr14:74,494,158-74,494,160, AGG deleted; deleting any 3 consecutive bases within chr14:74,494,155-74,494,160 gives the same sequence; the c. name uses the placement nearest the transcript's 3' end. VCF-style (leftmost placement, unchanged base first): chr14-74494154-TAGG-T. GRCh37 (hg19) VCF-style: chr14-74960857-TAGG-T.
Other names: c.174+6_174+8del (NM_001272007.2).
Identifiers: ClinVar variation 1377994 (VCV001377994.4), dbSNP rs1435089458, ClinGen allele CA615193059.

ClinVar aggregate classification (germline): Uncertain significance (1 of 4 stars; one submission).

Submission:

Labcorp Genetics (formerly Invitae), Labcorp
Classification: Uncertain significance. Last evaluated: 2023-11-27. Review status: criteria provided, single submitter. Criteria: Invitae Variant Classification Sherloc (09022015). Collection method: clinical testing. Allele origin: germline.
Comment: This sequence change falls in intron 2 of the ISCA2 gene. It does not directly change the encoded amino acid sequence of the ISCA2 protein. It affects a nucleotide within the consensus splice site. This variant is present in population databases (no rsID available, gnomAD 0.002%). This variant has not been reported in the literature in individuals affected with ISCA2-related conditions. Variants that disrupt the consensus splice site are a relatively common cause of aberrant splicing (PMID: 17576681, 9536098). Algorithms developed to predict the effect of sequence changes on RNA splicing suggest that this variant is not likely to affect RNA splicing. In summary, the available evidence is currently insufficient to determine the role of this variant in disease. Therefore, it has been classified as a Variant of Uncertain Significance.

Literature cited by the submitters: PubMed 17576681; PubMed 9536098.